The following is an entry in ClinVar:

ClinVar aggregate classification (germline): Uncertain significance (1 of 4 stars; one submission).

Submission:

GeneDx
Classification: Uncertain significance. Last evaluated: 2024-08-19. Review status: criteria provided, single submitter. Criteria: GeneDx Variant Classification Process June 2021. Collection method: clinical testing. Allele origin: germline. Affected: yes.
Comment: Not observed at significant frequency in large population cohorts (gnomAD); In silico analysis indicates that this missense variant does not alter protein structure/function; Has not been previously published as pathogenic or benign to our knowledge; Variants in candidate genes are classified as variants of uncertain significance in accordance with ACMG guidelines (PMID: 25741868)

NM_001109809.5(ZFP57):c.1072C>G (p.Gln358Glu)

Gene: ZFP57 (ZFP57 zinc finger protein; minus strand). Cytogenetic location: 6p22.1.
Variant type: single nucleotide variant.
Coding change: c.1072C>G on transcript NM_001109809.5 (MANE Select); coding-DNA position 1072, C replaced by G.
Protein change: p.Gln358Glu; replaces glutamine 358 with glutamic acid.
Molecular consequence: missense variant.
Genome position (GRCh38, 1-based): chr6:29,673,039, G>C on the plus strand (C>G on the coding strand, the complement: ZFP57 is on the minus strand). VCF-style: chr6-29673039-G-C. GRCh37 (hg19) VCF-style: chr6-29640816-G-C.
Other names: c.856C>G, p.Gln286Glu (NM_001366333.2); short protein forms Q286E, Q358E.
Identifiers: ClinVar variation 4685127 (VCV004685127.1).